The following is an entry in ClinVar:

ClinVar aggregate classification (germline): Likely benign (1 of 4 stars; one submission).

Allele frequency attached by ClinVar (database versions not stated): gnomAD 0.00001.
gnomAD v4.1: 21 of 1,548,880 alleles (0.0014%); highest among the groups gnomAD compares: Middle Eastern, 0.017%; no homozygotes.

Submission:

CeGaT Center for Human Genetics Tuebingen
Classification: Likely benign. Last evaluated: 2024-03-01. Review status: criteria provided, single submitter. Criteria: CeGaT Center For Human Genetics Tuebingen Variant Classification Criteria Version 2. Collection method: clinical testing. Allele origin: germline. Affected: yes. Observed: 1 variant allele.
Comment: PIEZO1: BP4, BP7

NM_001142864.4(PIEZO1):c.2379C>T (p.Ala793=)

Genes: HSALR1 (HSP90AB1 associated lncRNA 1; plus strand), PIEZO1 (piezo type mechanosensitive ion channel component 1 (Er blood group); minus strand). Cytogenetic location: 16q24.3.
Variant type: single nucleotide variant.
Coding change: c.2379C>T on transcript NM_001142864.4 (MANE Select); coding-DNA position 2379, C replaced by T.
Protein change: p.Ala793=; no amino-acid change (alanine 793 retained).
Molecular consequence: synonymous variant.
Genome position (GRCh38, 1-based): chr16:88,733,696, G>A on the plus strand (C>T on the coding strand, the complement: PIEZO1 is on the minus strand). VCF-style: chr16-88733696-G-A. GRCh37 (hg19) VCF-style: chr16-88800104-G-A.
Other names: c.921C>T, p.Ala307= (NM_014745.1).
Identifiers: ClinVar variation 3067397 (VCV003067397.21), dbSNP rs1282530315, ClinGen allele CA497366433.
Genomic context (GRCh38, chr16:88,733,696, plus strand): 5'-GTGAAGCTCCAGCAGCCGCCGCAGGAACACCTGCACGCGTGAGAGGACGTCCGAGAAGCC[G>A]GCTGCCAGCTCCAGCAGCCGCTCAGCCACCAGGCCCCACTTGGCTGCCCCTGTGATGGTG-3'
Protein context (NP_001136336.2, residues 783-803): LVAERLLELA[Ala793=]GFSDVLSRVQ